The following is an entry in ClinVar:

NM_020461.4(TUBGCP6):c.225T>C (p.Phe75=)

Gene: TUBGCP6 (tubulin gamma complex component 6; minus strand). Cytogenetic location: 22q13.33.
Variant type: single nucleotide variant.
Coding change: c.225T>C on transcript NM_020461.4 (MANE Select); coding-DNA position 225, T replaced by C.
Protein change: p.Phe75=; no amino-acid change (phenylalanine 75 retained).
Molecular consequence: synonymous variant.
Genome position (GRCh38, 1-based): chr22:50,244,235, A>G on the plus strand (T>C on the coding strand, the complement: TUBGCP6 is on the minus strand). VCF-style: chr22-50244235-A-G. GRCh37 (hg19) VCF-style: chr22-50682664-A-G.
Identifiers: ClinVar variation 721403 (VCV000721403.11), dbSNP rs777670358, ClinGen allele CA10309100.

ClinVar aggregate classification (germline): Likely benign. Review status: criteria provided, multiple submitters, no conflicts (2 of 4 stars). 3 submissions from 3 submitters: Likely benign (2). 1 of the submissions does not count toward it. Last evaluated 2025-05-02.

Conditions:
TUBGCP6-related disorder. Also called: TUBGCP6-related condition.

Allele frequency attached by ClinVar (database versions not stated): TOPMed 0.00007.
gnomAD v4.1: 223 of 1,613,354 alleles (0.014%); highest among the groups gnomAD compares: Non-Finnish European, 0.019%; no homozygotes.

Submissions (3):

Labcorp Genetics (formerly Invitae), Labcorp
Classification: Likely benign. Last evaluated: 2025-05-02. Review status: criteria provided, single submitter. Criteria: Invitae Variant Classification Sherloc (09022015). Collection method: clinical testing. Allele origin: germline.

Blueprint Genetics
Classification: Likely benign. Last evaluated: 2024-07-25. Review status: criteria provided, single submitter. Criteria: ACMG Guidelines, 2015. Collection method: clinical testing. Allele origin: germline.

PreventionGenetics, part of Exact Sciences
Classification: Likely benign for TUBGCP6-related condition. Last evaluated: 2020-12-21. Review status: no assertion criteria provided. Collection method: clinical testing. Allele origin: germline. Not counted in ClinVar's aggregate classification.
Comment: This variant is classified as likely benign based on ACMG/AMP sequence variant interpretation guidelines (Richards et al. 2015 PMID: 25741868, with internal and published modifications).